The following is an entry in ClinVar:

ClinVar aggregate classification (germline): Benign. Review status: criteria provided, single submitter (1 of 4 stars). 2 submissions from 2 submitters: Benign (1). 1 of the submissions does not count toward it. Last evaluated 2026-01-08.

Conditions:
RFWD3-related disorder. Also called: RFWD3-related condition.

Allele frequency attached by ClinVar (database versions not stated): gnomAD 0.00017 and 0.00050; TOPMed 0.00024; gnomAD exomes 0.00171; ExAC 0.00188; 1000 Genomes Project 0.00339; 1000 Genomes Project 30x 0.00344.
gnomAD v4.1: 1,297 of 1,611,362 alleles (0.08%); highest among the groups gnomAD compares: South Asian, 1.2%; 13 homozygotes.

Submissions (2):

Labcorp Genetics (formerly Invitae), Labcorp
Classification: Benign. Last evaluated: 2026-01-08. Review status: criteria provided, single submitter. Criteria: Invitae Variant Classification Sherloc (09022015). Collection method: clinical testing. Allele origin: germline.

PreventionGenetics, part of Exact Sciences
Classification: Benign for RFWD3-related condition. Last evaluated: 2020-12-14. Review status: no assertion criteria provided. Collection method: clinical testing. Allele origin: germline. Not counted in ClinVar's aggregate classification.
Comment: This variant is classified as benign based on ACMG/AMP sequence variant interpretation guidelines (Richards et al. 2015 PMID: 25741868, with internal and published modifications).

NM_018124.4(RFWD3):c.1100T>C (p.Met367Thr)

Gene: RFWD3 (ring finger and WD repeat domain 3; minus strand). Cytogenetic location: 16q23.1.
Variant type: single nucleotide variant.
Coding change: c.1100T>C on transcript NM_018124.4 (MANE Select); coding-DNA position 1100, T replaced by C.
Protein change: p.Met367Thr; replaces methionine 367 with threonine.
Molecular consequence: missense variant.
Genome position (GRCh38, 1-based): chr16:74,637,950, A>G on the plus strand (T>C on the coding strand, the complement: RFWD3 is on the minus strand). VCF-style: chr16-74637950-A-G. GRCh37 (hg19) VCF-style: chr16-74671848-A-G.
Other names: c.1100T>C, p.Met367Thr (NM_001370534.1, NM_001370535.1, NM_001370536.1); c.266T>C, p.Met89Thr (NM_001370537.1, NM_001370539.1, NM_001370540.1 and 2 more transcripts); short protein forms M367T, M89T.
Identifiers: ClinVar variation 726890 (VCV000726890.11), dbSNP rs187844792, ClinGen allele CA8169319.